The following is an entry in ClinVar:

NM_006180.6(NTRK2):c.2087G>A (p.Arg696Lys)

Gene: NTRK2 (neurotrophic receptor tyrosine kinase 2; plus strand). Cytogenetic location: 9q21.33.
Variant type: single nucleotide variant.
Coding change: c.2087G>A on transcript NM_006180.6 (MANE Select); coding-DNA position 2087, G replaced by A.
Protein change: p.Arg696Lys; replaces arginine 696 with lysine.
Molecular consequence: missense variant.
Genome position (GRCh38, 1-based): chr9:84,955,432, G>A. VCF-style: chr9-84955432-G-A. GRCh37 (hg19) VCF-style: chr9-87570347-G-A.
Other names: c.2039G>A, p.Arg680Lys (NM_001369533.1, NM_001018064.3, NM_001369532.1); c.2003G>A, p.Arg668Lys (NM_001369534.1); c.1571G>A, p.Arg524Lys (NM_001369535.1); c.1619G>A, p.Arg540Lys (NM_001369536.1); c.2087G>A, p.Arg696Lys (NM_001381928.1); short protein forms R524K, R540K, R668K, R680K, R696K.
Identifiers: ClinVar variation 3068735 (VCV003068735.1), dbSNP rs2132977303, ClinGen allele CA374010212.

ClinVar aggregate classification (germline): Uncertain significance (1 of 4 stars; one submission).

Conditions:
Obesity, hyperphagia, and developmental delay (OBHD). Identifiers: Orphanet 99704, MedGen C3151303, MONDO:0013483, OMIM 613886.

Allele frequency attached by ClinVar (database versions not stated): gnomAD exomes below 0.00001.
gnomAD v4.1: 1 of 1,614,272 alleles (0.000062%); highest among the groups gnomAD compares: Non-Finnish European, 0.000085%; no homozygotes.

Submission:

Institute of Human Genetics, University of Leipzig Medical Center
Classification: Uncertain significance for Obesity, hyperphagia, and developmental delay. Last evaluated: 2024-02-13. Review status: criteria provided, single submitter. Criteria: ACMG Guidelines, 2015. Collection method: clinical testing. Allele origin: unknown. Inheritance: Autosomal dominant inheritance. Affected: yes. Observed: 1 variant allele.
Comment: Criteria applied: PM2_Sup, PP3